The following is an entry in ClinVar:

ClinVar aggregate classification (germline): Uncertain significance. Review status: criteria provided, multiple submitters, no conflicts (2 of 4 stars). 2 submissions from 2 submitters: Uncertain significance (2). Last evaluated 2024-05-15.

Conditions:
Hereditary cancer-predisposing syndrome. Also called: Hereditary Cancer Syndrome; Hereditary neoplastic syndrome; Neoplastic Syndromes, Hereditary; Tumor predisposition. Identifiers: Orphanet 140162, MedGen C0027672, MeSH D009386, MONDO:0015356.
Tumor predisposition syndrome 3 (TPDS3). Also called: Melanoma, cutaneous malignant, susceptibility to, 10; Glioma susceptibility 9; LONG TELOMERE SYNDROME, POT1-RELATED; POT1 Tumor Predisposition. Identifiers: Orphanet 618, MedGen C4014476, MONDO:0014368, OMIM 615848.

Allele frequency attached by ClinVar (database versions not stated): gnomAD exomes below 0.00001.
gnomAD v4.1: 2 of 1,610,770 alleles (0.00012%); highest among the groups gnomAD compares: East Asian, 0.0045%; no homozygotes.

Submissions (2):

Labcorp Genetics (formerly Invitae), Labcorp
Classification: Uncertain significance for Tumor predisposition syndrome 3. Last evaluated: 2024-05-15. Review status: criteria provided, single submitter. Criteria: Invitae Variant Classification Sherloc (09022015). Collection method: clinical testing. Allele origin: germline.
Comment: This sequence change replaces valine, which is neutral and non-polar, with alanine, which is neutral and non-polar, at codon 391 of the POT1 protein (p.Val391Ala). This variant is not present in population databases (gnomAD no frequency). This variant has not been reported in the literature in individuals affected with POT1-related conditions. ClinVar contains an entry for this variant (Variation ID: 1739966). Advanced modeling of protein sequence and biophysical properties (such as structural, functional, and spatial information, amino acid conservation, physicochemical variation, residue mobility, and thermodynamic stability) performed at Invitae indicates that this missense variant is not expected to disrupt POT1 protein function with a negative predictive value of 80%. In summary, the available evidence is currently insufficient to determine the role of this variant in disease. Therefore, it has been classified as a Variant of Uncertain Significance.

Ambry Genetics
Classification: Uncertain significance for Hereditary cancer-predisposing syndrome. Last evaluated: 2022-02-27. Review status: criteria provided, single submitter. Criteria: Ambry Variant Classification Scheme 2023. Collection method: clinical testing. Allele origin: germline.
Comment: The p.V391A variant (also known as c.1172T>C), located in coding exon 10 of the POT1 gene, results from a T to C substitution at nucleotide position 1172. The valine at codon 391 is replaced by alanine, an amino acid with similar properties. This amino acid position is conserved. In addition, the in silico prediction for this alteration is inconclusive. Since supporting evidence is limited at this time, the clinical significance of this alteration remains unclear.

NM_015450.3(POT1):c.1172T>C (p.Val391Ala)

Gene: POT1 (protection of telomeres 1; minus strand). Cytogenetic location: 7q31.33.
Variant type: single nucleotide variant.
Coding change: c.1172T>C on transcript NM_015450.3 (MANE Select); coding-DNA position 1172, T replaced by C.
Protein change: p.Val391Ala; replaces valine 391 with alanine.
Molecular consequence: missense variant. On other transcripts: non-coding transcript variant (3).
Genome position (GRCh38, 1-based): chr7:124,841,170, A>G on the plus strand (T>C on the coding strand, the complement: POT1 is on the minus strand). VCF-style: chr7-124841170-A-G. GRCh37 (hg19) VCF-style: chr7-124481224-A-G.
Other names: c.779T>C, p.Val260Ala (NM_001042594.2); short protein forms V260A, V391A.
Identifiers: ClinVar variation 1739966 (VCV001739966.4), dbSNP rs2116462193, ClinGen allele CA369067744.